The following is an entry in ClinVar:

ClinVar aggregate classification (germline): Uncertain significance (1 of 4 stars; one submission).

Conditions:
Birt-Hogg-Dube syndrome. Also called: Birt Hogg Dubé syndrome. Identifiers: Orphanet 122, MedGen C0346010, MONDO:0800444.

Submission:

Labcorp Genetics (formerly Invitae), Labcorp
Classification: Uncertain significance for Birt-Hogg-Dube syndrome. Last evaluated: 2024-10-20. Review status: criteria provided, single submitter. Criteria: Invitae Variant Classification Sherloc (09022015). Collection method: clinical testing. Allele origin: germline.
Comment: This sequence change replaces valine, which is neutral and non-polar, with leucine, which is neutral and non-polar, at codon 452 of the FLCN protein (p.Val452Leu). This variant is not present in population databases (gnomAD no frequency). This variant has not been reported in the literature in individuals affected with FLCN-related conditions. An algorithm developed to predict the effect of missense changes on protein structure and function (PolyPhen-2) suggests that this variant is likely to be tolerated. In summary, the available evidence is currently insufficient to determine the role of this variant in disease. Therefore, it has been classified as a Variant of Uncertain Significance.

NM_144997.7(FLCN):c.1354G>C (p.Val452Leu)

Gene: FLCN (folliculin; minus strand). Cytogenetic location: 17p11.2.
Variant type: single nucleotide variant.
Coding change: c.1354G>C on transcript NM_144997.7 (MANE Select); coding-DNA position 1354, G replaced by C.
Protein change: p.Val452Leu; replaces valine 452 with leucine.
Molecular consequence: missense variant.
Genome position (GRCh38, 1-based): chr17:17,215,263, C>G on the plus strand (G>C on the coding strand, the complement: FLCN is on the minus strand). VCF-style: chr17-17215263-C-G. GRCh37 (hg19) VCF-style: chr17-17118577-C-G.
Other names: c.1408G>C, p.Val470Leu (NM_001353229.2); c.1354G>C, p.Val452Leu (NM_001353230.2, NM_001353231.2); short protein forms V452L, V470L.
Identifiers: ClinVar variation 3699688 (VCV003699688.2).
Genomic context (GRCh38, chr17:17,215,263, plus strand): 5'-GGCTCCCACTGGTCACCACAAACTCGTACTTGCTGAGAGACTGGTCATCCTCACACCCCA[C>G]AGGGTGGAGGGTGGAACGTGCGGCTGCGTGGACCTCCACGATGACAGCAAACTCTGTAAC-3'
Protein context (NP_659434.2, residues 442-462): HAAARSTLHP[Val452Leu]GCEDDQSLSK